The following is an entry in ClinVar:

ClinVar aggregate classification (germline): Pathogenic (1 of 4 stars; one submission).

Submission:

Labcorp Genetics (formerly Invitae), Labcorp
Classification: Pathogenic. Last evaluated: 2024-05-06. Review status: criteria provided, single submitter. Criteria: Invitae Variant Classification Sherloc (09022015). Collection method: clinical testing. Allele origin: germline.
Comment: This sequence change creates a premature translational stop signal (p.Glu352Glyfs*12) in the ACAN gene. It is expected to result in an absent or disrupted protein product. Loss-of-function variants in ACAN are known to be pathogenic (PMID: 16080123, 24762113). This variant is not present in population databases (gnomAD no frequency). This variant has not been reported in the literature in individuals affected with ACAN-related conditions. Algorithms developed to predict the effect of sequence changes on RNA splicing suggest that this variant may disrupt the consensus splice site. For these reasons, this variant has been classified as Pathogenic.

Literature cited by the submitters: PubMed 16080123; PubMed 24762113.

NM_001369268.1(ACAN):c.1055_1065del (p.Glu352fs)

Gene: ACAN (aggrecan; plus strand). Cytogenetic location: 15q26.1.
Variant type: Deletion.
Coding change: c.1055_1065del on transcript NM_001369268.1 (MANE Select); coding-DNA positions 1055 to 1065, 11 bases deleted (AAGACTTTGTG).
Protein change: p.Glu352fs; shifts the reading frame from glutamic acid 352.
Molecular consequence: frameshift variant.
Genome position (GRCh38, 1-based): chr15:88,845,508-88,845,518, AAGACTTTGTG deleted; deleting any 11 consecutive bases within chr15:88,845,505-88,845,518 gives the same sequence; the c. name uses the placement nearest the transcript's 3' end. VCF-style (leftmost placement, unchanged base first): chr15-88845504-GGTGAAGACTTT-G. GRCh37 (hg19) VCF-style: chr15-89388735-GGTGAAGACTTT-G.
Other names: c.1055_1065del, p.Glu352fs (NM_001135.4, NM_001411096.1, NM_001411097.1 and 1 more transcripts); short protein forms E352fs.
Identifiers: ClinVar variation 2705831 (VCV002705831.3), dbSNP rs2505260952, ClinGen allele CA2697549299.
Genomic context (GRCh38, chr15:88,845,504, plus strand): 5'-TCATCCCCCTCAAGCCGGTCCCAGGCTGAGAGGCTAAAGCTTGTCTTTGCCCCTCCCCTA[GGTGAAGACTTT>G]GTGGACATCCCAGAAAACTTCTTTGGAGTGGGGGGTGAGGAGGACATCACCGTCCAGACA-3'